The following is an entry in ClinVar:

NM_001377295.2(GNAT2):c.886T>C (p.Tyr296His)

Gene: GNAT2 (G protein subunit alpha transducin 2; minus strand). Cytogenetic location: 1p13.3.
Variant type: single nucleotide variant.
Coding change: c.886T>C on transcript NM_001377295.2 (MANE Select); coding-DNA position 886, T replaced by C.
Protein change: p.Tyr296His; replaces tyrosine 296 with histidine.
Molecular consequence: missense variant.
Genome position (GRCh38, 1-based): chr1:109,603,533, A>G on the plus strand (T>C on the coding strand, the complement: GNAT2 is on the minus strand). VCF-style: chr1-109603533-A-G. GRCh37 (hg19) VCF-style: chr1-110146155-A-G.
Other names: c.886T>C, p.Tyr296His (NM_001379232.1, NM_005272.5); short protein forms Y296H.
Identifiers: ClinVar variation 623284 (VCV000623284.9), dbSNP rs757147586, ClinGen allele CA992278.

ClinVar aggregate classification (germline): Conflicting classifications of pathogenicity. Review status: criteria provided, conflicting classifications (1 of 4 stars). 3 submissions from 2 submitters: Pathogenic (1); Uncertain significance (1). 1 of the submissions does not count toward it. Last evaluated 2022-01-28.

Conditions:
Cone dystrophy. Identifiers: Orphanet 1871, MedGen C0730290, MONDO:0000455.
Achromatopsia 4 (ACHM4). Identifiers: Orphanet 49382, MedGen C1841721, MONDO:0013465, OMIM 613856.

Allele frequency attached by ClinVar (database versions not stated): gnomAD exomes below 0.00001; ExAC 0.00002.
gnomAD v4.1: 5 of 1,607,462 alleles (0.00031%); highest among the groups gnomAD compares: Non-Finnish European, 0.00043%; no homozygotes.

Submissions (3):

Labcorp Genetics (formerly Invitae), Labcorp
Classification: Uncertain significance. Last evaluated: 2022-01-28. Review status: criteria provided, single submitter. Criteria: Invitae Variant Classification Sherloc (09022015). Collection method: clinical testing. Allele origin: germline.
Comment: In summary, the available evidence is currently insufficient to determine the role of this variant in disease. Therefore, it has been classified as a Variant of Uncertain Significance. Algorithms developed to predict the effect of missense changes on protein structure and function are either unavailable or do not agree on the potential impact of this missense change (SIFT: "Tolerated"; PolyPhen-2: "Possibly Damaging"; Align-GVGD: "Class C0"). ClinVar contains an entry for this variant (Variation ID: 623284). This missense change has been observed in individual(s) with clinical features of achromatopsia (PMID: 31058429). This variant is present in population databases (rs757147586, gnomAD 0.002%). This sequence change replaces tyrosine, which is neutral and polar, with histidine, which is basic and polar, at codon 296 of the GNAT2 protein (p.Tyr296His).

Molecular Genetics Laboratory, Institute for Ophthalmic Research
Classification: Pathogenic for Cone/cone-rod dystrophy. Last evaluated: 2020-01-09. Review status: criteria provided, single submitter. Criteria: ACMG Guidelines, 2015. Collection method: research. Allele origin: germline. Affected: yes.

Molecular Genetics Laboratory, Institute for Ophthalmic Research
Classification: Uncertain significance for Achromatopsia 4. Last evaluated: 2018-06-12. Review status: no assertion criteria provided. Collection method: research. Allele origin: germline. Affected: yes. Not counted in ClinVar's aggregate classification.

Literature cited by the submitters: PubMed 31058429 (cited by Labcorp Genetics (formerly Invitae), Labcorp).